The following is an entry in ClinVar:

NM_182961.4(SYNE1):c.9349G>A (p.Gly3117Arg)

Gene: SYNE1 (spectrin repeat containing nuclear envelope protein 1; minus strand). Cytogenetic location: 6q25.2.
Variant type: single nucleotide variant.
Coding change: c.9349G>A on transcript NM_182961.4 (MANE Select); coding-DNA position 9349, G replaced by A.
Protein change: p.Gly3117Arg; replaces glycine 3117 with arginine.
Molecular consequence: missense variant.
Genome position (GRCh38, 1-based): chr6:152,373,195, C>T on the plus strand (G>A on the coding strand, the complement: SYNE1 is on the minus strand). VCF-style: chr6-152373195-C-T. GRCh37 (hg19) VCF-style: chr6-152694330-C-T.
Other names: c.9370G>A, p.Gly3124Arg (NM_033071.5); short protein forms G3117R, G3124R.
Identifiers: ClinVar variation 471059 (VCV000471059.21), dbSNP rs566953005, ClinGen allele CA4057342.

ClinVar aggregate classification (germline): Conflicting classifications of pathogenicity. Review status: criteria provided, conflicting classifications (1 of 4 stars). 6 submissions from 6 submitters: Uncertain significance (2); Benign (1); Likely benign (2). 1 of the submissions does not count toward it. Last evaluated 2026-05-01.

Conditions:
SYNE1-related disorder. Also called: SYNE1-related disorders; SYNE1-related disease; SYNE1-related condition.
Autosomal recessive ataxia, Beauce type. Also called: Spinocerebellar ataxia, autosomal recessive 8; SYNE1 Deficiency; ATAXIA, RECESSIVE, OF BEAUCE; SYNE1-Related Autosomal Recessive Cerebellar Ataxia. Identifiers: Orphanet 88644, MedGen C1853116, MONDO:0012549, OMIM 610743.
Emery-Dreifuss muscular dystrophy 4, autosomal dominant (EDMD4). Also called: EMERY-DREIFUSS MUSCULAR DYSTROPHY 4 WITH VARIABLE FEATURES. Identifiers: Orphanet 261, MedGen C2751807, MONDO:0013071, OMIM 612998.

Allele frequency attached by ClinVar (database versions not stated): gnomAD 0.00001 and 0.00013; TOPMed 0.00004; gnomAD exomes 0.00019 and 0.00034; ExAC 0.00042; 1000 Genomes Project 30x 0.00062; 1000 Genomes Project 0.00080.
gnomAD v4.1: 296 of 1,612,702 alleles (0.018%); highest among the groups gnomAD compares: South Asian, 0.29%; 2 homozygotes.

Submissions (6):

CeGaT Center for Human Genetics Tuebingen
Classification: Likely benign. Last evaluated: 2026-05-01. Review status: criteria provided, single submitter. Criteria: CeGaT Center For Human Genetics Tuebingen Variant Classification Criteria Version 2. Collection method: clinical testing. Allele origin: germline. Affected: yes. Observed: 1 variant allele.
Comment: SYNE1: BS2

Labcorp Genetics (formerly Invitae), Labcorp
Classification: Likely benign for Emery-Dreifuss muscular dystrophy 4, autosomal dominant; Autosomal recessive ataxia, Beauce type. Last evaluated: 2025-09-23. Review status: criteria provided, single submitter. Criteria: Invitae Variant Classification Sherloc (09022015). Collection method: clinical testing. Allele origin: germline.

Blueprint Genetics
Classification: Uncertain significance. Last evaluated: 2024-11-07. Review status: criteria provided, single submitter. Criteria: ACMG Guidelines, 2015. Collection method: clinical testing. Allele origin: germline.

Revvity Omics, Revvity
Classification: Benign. Last evaluated: 2023-08-02. Review status: criteria provided, single submitter. Criteria: ACMG Guidelines, 2015. Collection method: clinical testing. Allele origin: germline.

GeneDx
Classification: Uncertain significance. Last evaluated: 2019-04-05. Review status: criteria provided, single submitter. Criteria: GeneDx Variant Classification Process June 2021. Collection method: clinical testing. Allele origin: germline. Affected: yes.
Comment: Has not been previously published as pathogenic or benign to our knowledge; In silico analysis, which includes protein predictors and evolutionary conservation, supports a deleterious effect

PreventionGenetics, part of Exact Sciences
Classification: Likely benign for SYNE1-related condition. Last evaluated: 2022-05-20. Review status: no assertion criteria provided. Collection method: clinical testing. Allele origin: germline. Not counted in ClinVar's aggregate classification.
Comment: This variant is classified as likely benign based on ACMG/AMP sequence variant interpretation guidelines (Richards et al. 2015 PMID: 25741868, with internal and published modifications).